The following is an entry in ClinVar:

ClinVar aggregate classification (germline): Uncertain significance (1 of 4 stars; one submission).

Allele frequency attached by ClinVar (database versions not stated): TOPMed below 0.00001; gnomAD 0.00001.
gnomAD v4.1: 3 of 1,613,912 alleles (0.00019%); highest among the groups gnomAD compares: Admixed American, 0.005%; no homozygotes.

Submission:

Labcorp Genetics (formerly Invitae), Labcorp
Classification: Uncertain significance. Last evaluated: 2022-09-28. Review status: criteria provided, single submitter. Criteria: Invitae Variant Classification Sherloc (09022015). Collection method: clinical testing. Allele origin: germline.
Comment: In summary, the available evidence is currently insufficient to determine the role of this variant in disease. Therefore, it has been classified as a Variant of Uncertain Significance. Advanced modeling of protein sequence and biophysical properties (such as structural, functional, and spatial information, amino acid conservation, physicochemical variation, residue mobility, and thermodynamic stability) performed at Invitae indicates that this missense variant is not expected to disrupt GRM6 protein function. This variant has not been reported in the literature in individuals affected with GRM6-related conditions. This variant is not present in population databases (gnomAD no frequency). This sequence change replaces threonine, which is neutral and polar, with serine, which is neutral and polar, at codon 638 of the GRM6 protein (p.Thr638Ser).

NM_000843.4(GRM6):c.1912A>T (p.Thr638Ser)

Genes: GRM6 (glutamate metabotropic receptor 6; minus strand), ZNF454 (zinc finger protein 454; plus strand). Cytogenetic location: 5q35.3.
Variant type: single nucleotide variant.
Coding change: c.1912A>T on transcript NM_000843.4 (MANE Select); coding-DNA position 1912, A replaced by T.
Protein change: p.Thr638Ser; replaces threonine 638 with serine.
Molecular consequence: missense variant.
Genome position (GRCh38, 1-based): chr5:178,986,342, T>A on the plus strand (A>T on the coding strand, the complement: GRM6 is on the minus strand). VCF-style: chr5-178986342-T-A. GRCh37 (hg19) VCF-style: chr5-178413343-T-A.
Other names: short protein forms T638S.
Identifiers: ClinVar variation 2418174 (VCV002418174.4), dbSNP rs1760546545, ClinGen allele CA362426173.